The following is an entry in ClinVar:

NM_000465.4(BARD1):c.1002del (p.Arg335fs)

Gene: BARD1 (BRCA1 associated RING domain 1; minus strand). Cytogenetic location: 2q35.
Variant type: Deletion.
Coding change: c.1002del on transcript NM_000465.4 (MANE Select); coding-DNA position 1002, one base deleted (G; older notation c.1002delG).
Protein change: p.Arg335fs; shifts the reading frame from arginine 335.
Molecular consequence: frameshift variant. On other transcripts: non-coding transcript variant (2), intron variant (3).
Genome position (GRCh38, 1-based): chr2:214,780,872, C deleted on the plus strand (G on the coding strand, the reverse complement: BARD1 is on the minus strand). VCF-style (leftmost placement, unchanged base first): chr2-214780871-TC-T. GRCh37 (hg19) VCF-style: chr2-215645595-TC-T.
Other names: c.945del, p.Arg316fs (NM_001282543.2); c.159-28317del (NM_001282548.2); c.215+16189del (NM_001282545.2); c.364+11425del (NM_001282549.2); c.1002delG (NM_000465.2); short protein forms R316fs, R335fs.
Identifiers: ClinVar variation 853796 (VCV000853796.11), dbSNP rs1694972839, ClinGen allele CA916082285.

ClinVar aggregate classification (germline): Pathogenic. Review status: criteria provided, multiple submitters, no conflicts (2 of 4 stars). 3 submissions from 3 submitters: Pathogenic (3). Last evaluated 2024-06-26.

Conditions:
Hereditary cancer-predisposing syndrome. Also called: Neoplastic Syndromes, Hereditary; Hereditary Cancer Syndrome; Tumor predisposition; Hereditary neoplastic syndrome. Identifiers: Orphanet 140162, MedGen C0027672, MeSH D009386, MONDO:0015356.
Familial cancer of breast. Also called: Hereditary breast cancer; hereditary breast carcinoma; BREAST CANCER, FAMILIAL. Identifiers: Orphanet 227535, MedGen C0346153, MONDO:0016419, OMIM 114480. Disease mechanism: loss of function.

Submissions (3):

Ambry Genetics
Classification: Pathogenic for Hereditary cancer-predisposing syndrome. Last evaluated: 2024-06-26. Review status: criteria provided, single submitter. Criteria: Ambry Variant Classification Scheme 2023. Collection method: clinical testing. Allele origin: germline.
Comment: The c.1002delG pathogenic mutation, located in coding exon 4 of the BARD1 gene, results from a deletion of one nucleotide at nucleotide position 1002, causing a translational frameshift with a predicted alternate stop codon (p.R335Dfs*7). This variant is considered to be rare based on population cohorts in the Genome Aggregation Database (gnomAD). This alteration is expected to result in loss of function by premature protein truncation or nonsense-mediated mRNA decay. As such, this alteration is interpreted as a disease-causing mutation.

Myriad Genetics, Inc.
Classification: Pathogenic for Familial cancer of breast. Last evaluated: 2023-05-22. Review status: criteria provided, single submitter. Criteria: Myriad Autosomal Dominant, Autosomal Recessive and X-Linked Classification Criteria (2023). Collection method: clinical testing. Allele origin: unknown.
Comment: This variant is considered pathogenic. This variant creates a frameshift predicted to result in premature protein truncation.

Labcorp Genetics (formerly Invitae), Labcorp
Classification: Pathogenic for Familial cancer of breast. Last evaluated: 2022-07-12. Review status: criteria provided, single submitter. Criteria: Invitae Variant Classification Sherloc (09022015). Collection method: clinical testing. Allele origin: germline.
Comment: For these reasons, this variant has been classified as Pathogenic. ClinVar contains an entry for this variant (Variation ID: 853796). This variant has not been reported in the literature in individuals affected with BARD1-related conditions. This variant is not present in population databases (gnomAD no frequency). This sequence change creates a premature translational stop signal (p.Arg335Aspfs*7) in the BARD1 gene. It is expected to result in an absent or disrupted protein product. Loss-of-function variants in BARD1 are known to be pathogenic (PMID: 20077502, 21344236).

Literature cited by the submitters: PubMed 20077502 (cited by Labcorp Genetics (formerly Invitae), Labcorp); PubMed 21344236 (cited by Labcorp Genetics (formerly Invitae), Labcorp).